The following is an entry in ClinVar:

NM_000393.5(COL5A2):c.1182G>A (p.Ala394=)

Gene: COL5A2 (collagen type V alpha 2 chain; minus strand). Cytogenetic location: 2q32.2.
Variant type: single nucleotide variant.
Coding change: c.1182G>A on transcript NM_000393.5 (MANE Select); coding-DNA position 1182, G replaced by A.
Protein change: p.Ala394=; no amino-acid change (alanine 394 retained).
Molecular consequence: synonymous variant.
Genome position (GRCh38, 1-based): chr2:189,068,861, C>T on the plus strand (G>A on the coding strand, the complement: COL5A2 is on the minus strand). VCF-style: chr2-189068861-C-T. GRCh37 (hg19) VCF-style: chr2-189933587-C-T.
Other names: p.A394A:GCG>GCA; c.1182G>A (NM_000393.4).
Identifiers: ClinVar variation 136937 (VCV000136937.52), dbSNP rs148229627, ClinGen allele CA290368.
Genomic context (GRCh38, chr2:189,068,861, plus strand): 5'-GCCAACTGGACCTGGGGGCCCAGTTTCACCTCTCTGCCCCTGAGGACCTTCAGGGCCTCG[C>T]GCCCCTGTAGGACCTGCTTCTCCCTAAAAGGGTGCAAAGGGAAATGTTAATTTAAGAAAA-3'
Protein context (NP_000384.2, residues 384-404): GMKGEAGPTG[Ala394=]RGPEGPQGQR

ClinVar aggregate classification (germline): Benign/Likely benign. Review status: criteria provided, multiple submitters, no conflicts (2 of 4 stars). 10 submissions from 10 submitters: Benign (3); Likely benign (7). Last evaluated 2026-07-01.

Conditions:
Ehlers-Danlos syndrome, classic type, 1 (EDSCL1). Also called: EHLERS-DANLOS SYNDROME, GRAVIS TYPE; EHLERS-DANLOS SYNDROME, SEVERE CLASSIC TYPE; EDS I; Ehlers-Danlos syndrome, type 1; Ehlers-Danlos Syndrome, Classic Type, COL5A1-Related. Identifiers: MedGen C0268335, MONDO:0019567, OMIM 130000.
Ehlers-Danlos syndrome, classic type, 2 (EDSCL2). Also called: Ehlers-Danlos syndrome, type 2; Ehlers-Danlos syndrome type 2 (formerly); Ehlers-Danlos Syndrome, Classic Type, COL5A2-Related. Identifiers: Orphanet 287, Orphanet 90318, MedGen C0268336, MONDO:0019568, OMIM 130010.
Connective tissue disorder. Also called: Connective tissue disease. Identifiers: MedGen C0009782, MONDO:0003900.
Familial thoracic aortic aneurysm and aortic dissection (TAAD). Also called: Thoracic aortic aneurysms and dissections. Identifiers: Orphanet 91387, MedGen C4707243, MONDO:0019625.

Allele frequency attached by ClinVar (database versions not stated): gnomAD 0.00018; ESP Exome Variant Server 0.00023; TOPMed 0.00027; ExAC 0.00031; gnomAD exomes 0.00035; 1000 Genomes Project 0.00060; 1000 Genomes Project 30x 0.00062.
gnomAD v4.1: 407 of 1,612,624 alleles (0.025%); highest among the groups gnomAD compares: Middle Eastern, 0.18%; 1 homozygote.

Submissions (10):

CeGaT Center for Human Genetics Tuebingen
Classification: Likely benign. Last evaluated: 2026-07-01. Review status: criteria provided, single submitter. Criteria: CeGaT Center For Human Genetics Tuebingen Variant Classification Criteria Version 2. Collection method: clinical testing. Allele origin: germline. Affected: yes. Observed: 3 variant alleles.
Comment: COL5A2: BP4, BP7

Labcorp Genetics (formerly Invitae), Labcorp
Classification: Likely benign for Ehlers-Danlos syndrome, classic type, 1. Last evaluated: 2026-02-02. Review status: criteria provided, single submitter. Criteria: Invitae Variant Classification Sherloc (09022015). Collection method: clinical testing. Allele origin: germline.

Molecular Diagnostic Laboratory for Inherited Cardiovascular Disease, Montreal Heart Institute
Classification: Likely benign. Last evaluated: 2025-07-24. Review status: criteria provided, single submitter. Criteria: ACMG Guidelines, 2015. Collection method: clinical testing. Allele origin: germline. Affected: no.
Comment: BS1;BP7

Blueprint Genetics
Classification: Likely benign. Last evaluated: 2024-07-30. Review status: criteria provided, single submitter. Criteria: ACMG Guidelines, 2015. Collection method: clinical testing. Allele origin: germline.

Women's Health and Genetics/Laboratory Corporation of America, LabCorp
Classification: Benign. Last evaluated: 2024-03-31. Review status: criteria provided, single submitter. Criteria: LabCorp Variant Classification Summary - May 2015. Collection method: clinical testing. Allele origin: germline.

ARUP Laboratories, Molecular Genetics and Genomics, ARUP Laboratories
Classification: Benign for Ehlers-Danlos syndrome, classic type, 2. Last evaluated: 2020-03-23. Review status: criteria provided, single submitter. Criteria: ARUP Molecular Germline Variant Investigation Process. Collection method: clinical testing. Allele origin: germline.

Illumina Laboratory Services, Illumina
Classification: Likely benign for Ehlers-Danlos syndrome, classic type, 2. Last evaluated: 2018-01-13. Review status: criteria provided, single submitter. Criteria: ICSL Variant Classification Criteria 13 December 2019. Collection method: clinical testing. Allele origin: germline.
Comment: This variant was observed in the ICSL laboratory as part of a predisposition screen in an ostensibly healthy population. It had not been previously curated by ICSL or reported in the Human Gene Mutation Database (HGMD: prior to June 1st, 2018), and was therefore a candidate for classification through an automated scoring system. Utilizing variant allele frequency, disease prevalence and penetrance estimates, and inheritance mode, an automated score was calculated to assess if this variant is too frequent to cause the disease. Based on the score and internal cut-off values, a variant classified as likely benign is not then subjected to further curation. The score for this variant resulted in a classification of likely benign for this disease.

Center for Human Genetics, Inc
Classification: Likely benign for Connective tissue disorder. Last evaluated: 2016-11-01. Review status: criteria provided, single submitter. Criteria: ACMG Guidelines, 2015. Collection method: clinical testing. Allele origin: germline. Affected: yes.

Ambry Genetics
Classification: Likely benign for Familial thoracic aortic aneurysm and aortic dissection. Last evaluated: 2016-04-07. Review status: criteria provided, single submitter. Criteria: Ambry Variant Classification Scheme 2023. Collection method: clinical testing. Allele origin: germline.

GeneDx
Classification: Benign. Last evaluated: 2013-05-03. Review status: criteria provided, single submitter. Criteria: GeneDx Variant Classification (06012015). Collection method: clinical testing. Allele origin: germline. Affected: yes.
Comment: This variant is considered likely benign or benign based on one or more of the following criteria: it is a conservative change, it occurs at a poorly conserved position in the protein, it is predicted to be benign by multiple in silico algorithms, and/or has population frequency not consistent with disease.